The following is an entry in ClinVar:

NM_182961.4(SYNE1):c.5190T>A (p.Asp1730Glu)

Gene: SYNE1 (spectrin repeat containing nuclear envelope protein 1; minus strand). Cytogenetic location: 6q25.2.
Variant type: single nucleotide variant.
Coding change: c.5190T>A on transcript NM_182961.4 (MANE Select); coding-DNA position 5190, T replaced by A.
Protein change: p.Asp1730Glu; replaces aspartic acid 1730 with glutamic acid.
Molecular consequence: missense variant.
Genome position (GRCh38, 1-based): chr6:152,425,458, A>T on the plus strand (T>A on the coding strand, the complement: SYNE1 is on the minus strand). VCF-style: chr6-152425458-A-T. GRCh37 (hg19) VCF-style: chr6-152746593-A-T.
Other names: p.Asp1737Glu; c.5211T>A, p.Asp1737Glu (NM_033071.5); short protein forms D1730E, D1737E.
Identifiers: ClinVar variation 130446 (VCV000130446.23), dbSNP rs111250109, ClinGen allele CA155480.

ClinVar aggregate classification (germline): Benign. Review status: criteria provided, multiple submitters, no conflicts (2 of 4 stars). 10 submissions from 9 submitters: Benign (6). 4 of the submissions do not count toward it. Last evaluated 2026-02-03.

Conditions:
Emery-Dreifuss muscular dystrophy 4, autosomal dominant (EDMD4). Also called: EMERY-DREIFUSS MUSCULAR DYSTROPHY 4 WITH VARIABLE FEATURES. Identifiers: Orphanet 261, MedGen C2751807, MONDO:0013071, OMIM 612998.
Autosomal recessive ataxia, Beauce type. Also called: SYNE1-Related Autosomal Recessive Cerebellar Ataxia; ATAXIA, RECESSIVE, OF BEAUCE; Spinocerebellar ataxia, autosomal recessive 8; SYNE1 Deficiency. Identifiers: Orphanet 88644, MedGen C1853116, MONDO:0012549, OMIM 610743.

Allele frequency attached by ClinVar (database versions not stated): gnomAD exomes 0.04273; gnomAD 0.04561 and 0.04484; TOPMed 0.04243; ExAC 0.04420; 1000 Genomes Project 0.03275; ESP Exome Variant Server 0.04821; 1000 Genomes Project 30x 0.03357.
gnomAD v4.1: 73,934 of 1,614,108 alleles (4.6%); highest among the groups gnomAD compares: Non-Finnish European, 4.9%; 1,838 homozygotes.

Submissions (10):

Labcorp Genetics (formerly Invitae), Labcorp
Classification: Benign for Emery-Dreifuss muscular dystrophy 4, autosomal dominant; Autosomal recessive ataxia, Beauce type. Last evaluated: 2026-02-03. Review status: criteria provided, single submitter. Criteria: Invitae Variant Classification Sherloc (09022015). Collection method: clinical testing. Allele origin: germline.

Mayo Clinic Laboratories, Mayo Clinic
Classification: Benign. Last evaluated: 2018-03-08. Review status: criteria provided, single submitter. Criteria: ACMG Guidelines, 2015. Collection method: clinical testing. Allele origin: germline. Observed: 104 variant alleles.

Illumina Laboratory Services, Illumina
Classification: Benign for Autosomal recessive ataxia, Beauce type. Last evaluated: 2018-01-12. Review status: criteria provided, single submitter. Criteria: ICSL Variant Classification Criteria 13 December 2019. Collection method: clinical testing. Allele origin: germline.
Comment: This variant was observed in the ICSL laboratory as part of a predisposition screen in an ostensibly healthy population. It had not been previously curated by ICSL or reported in the Human Gene Mutation Database (HGMD: prior to June 1st, 2018), and was therefore a candidate for classification through an automated scoring system. Utilizing variant allele frequency, disease prevalence and penetrance estimates, and inheritance mode, an automated score was calculated to assess if this variant is too frequent to cause the disease. Based on the score and internal cut-off values, a variant classified as benign is not then subjected to further curation. The score for this variant resulted in a classification of benign for this disease.

Illumina Laboratory Services, Illumina
Classification: Benign for Emery-Dreifuss muscular dystrophy 4, autosomal dominant. Last evaluated: 2018-01-12. Review status: criteria provided, single submitter. Criteria: ICSL Variant Classification Criteria 13 December 2019. Collection method: clinical testing. Allele origin: germline.
Comment: the same text as in the submission from Illumina Laboratory Services, Illumina above.

PreventionGenetics, part of Exact Sciences
Classification: Benign. Last evaluated: 2016-03-07. Review status: criteria provided, single submitter. Criteria: ACMG Guidelines, 2015. Collection method: clinical testing. Allele origin: germline.

GeneDx
Classification: Benign. Last evaluated: 2016-01-25. Review status: criteria provided, single submitter. Criteria: GeneDx Variant Classification (06012015). Collection method: clinical testing. Allele origin: germline. Affected: yes.
Comment: This variant is considered likely benign or benign based on one or more of the following criteria: it is a conservative change, it occurs at a poorly conserved position in the protein, it is predicted to be benign by multiple in silico algorithms, and/or has population frequency not consistent with disease.

Clinical Genetics DNA and cytogenetics Diagnostics Lab, Erasmus MC, Erasmus Medical Center
Classification: Benign. Review status: no assertion criteria provided. Collection method: clinical testing. Allele origin: germline. Affected: yes. Study: VKGL Data-share Consensus. Not counted in ClinVar's aggregate classification.

Clinical Genetics, Academic Medical Center
Classification: Likely benign. Review status: no assertion criteria provided. Collection method: clinical testing. Allele origin: germline. Affected: yes. Study: VKGL Data-share Consensus. Not counted in ClinVar's aggregate classification.

Genetic Services Laboratory, University of Chicago
Classification: Likely benign for AllHighlyPenetrant. Review status: no assertion criteria provided. Collection method: clinical testing. Allele origin: germline. Inheritance: Autosomal dominant inheritance. Not counted in ClinVar's aggregate classification.
Comment: Likely benign based on allele frequency in 1000 Genomes Project or ESP global frequency and its presence in a patient with a rare or unrelated disease phenotype. NOT Sanger confirmed.

Genome Diagnostics Laboratory, University Medical Center Utrecht
Classification: Benign. Review status: no assertion criteria provided. Collection method: clinical testing. Allele origin: germline. Affected: yes. Study: VKGL Data-share Consensus. Not counted in ClinVar's aggregate classification.